The following is an entry in ClinVar:

NM_031935.3(HMCN1):c.10886G>A (p.Arg3629Gln)

Gene: HMCN1 (hemicentin 1; plus strand). Cytogenetic location: 1q31.1.
Variant type: single nucleotide variant.
Coding change: c.10886G>A on transcript NM_031935.3 (MANE Select); coding-DNA position 10886, G replaced by A.
Protein change: p.Arg3629Gln; replaces arginine 3629 with glutamine.
Molecular consequence: missense variant.
Genome position (GRCh38, 1-based): chr1:186,108,494, G>A. VCF-style: chr1-186108494-G-A. GRCh37 (hg19) VCF-style: chr1-186077626-G-A.
Other names: short protein forms R3629Q.
Identifiers: ClinVar variation 2420204 (VCV002420204.6), dbSNP rs377759781, ClinGen allele CA33498910.

ClinVar aggregate classification (germline): Uncertain significance (1 of 4 stars; one submission).

Allele frequency attached by ClinVar (database versions not stated): gnomAD 0.00001; gnomAD exomes 0.00002; TOPMed 0.00002; ESP Exome Variant Server 0.00008.
gnomAD v4.1: 24 of 1,613,902 alleles (0.0015%); highest among the groups gnomAD compares: African/African-American, 0.0067%; no homozygotes.

Submission:

Labcorp Genetics (formerly Invitae), Labcorp
Classification: Uncertain significance. Last evaluated: 2025-03-04. Review status: criteria provided, single submitter. Criteria: Invitae Variant Classification Sherloc (09022015). Collection method: clinical testing. Allele origin: germline.
Comment: This sequence change replaces arginine, which is basic and polar, with glutamine, which is neutral and polar, at codon 3629 of the HMCN1 protein (p.Arg3629Gln). This variant is present in population databases (rs377759781, gnomAD 0.01%). This variant has not been reported in the literature in individuals affected with HMCN1-related conditions. ClinVar contains an entry for this variant (Variation ID: 2420204). An algorithm developed to predict the effect of missense changes on protein structure and function outputs the following: PolyPhen-2: "Benign". The glutamine amino acid residue is found in multiple mammalian species, which suggests that this missense change does not adversely affect protein function. In summary, the available evidence is currently insufficient to determine the role of this variant in disease. Therefore, it has been classified as a Variant of Uncertain Significance.